The following is an entry in ClinVar:

NM_001371986.1(UNC80):c.1221C>G (p.Asn407Lys)

Gene: UNC80 (unc-80 subunit of NALCN channel complex; plus strand). Cytogenetic location: 2q34.
Variant type: single nucleotide variant.
Coding change: c.1221C>G on transcript NM_001371986.1 (MANE Select); coding-DNA position 1221, C replaced by G.
Protein change: p.Asn407Lys; replaces asparagine 407 with lysine.
Molecular consequence: missense variant.
Genome position (GRCh38, 1-based): chr2:209,815,277, C>G. VCF-style: chr2-209815277-C-G. GRCh37 (hg19) VCF-style: chr2-210680001-C-G.
Other names: c.1221C>G, p.Asn407Lys (NM_032504.2, NM_182587.4); short protein forms N407K.
Identifiers: ClinVar variation 1998734 (VCV001998734.4), dbSNP rs200884661, ClinGen allele CA2082915.

ClinVar aggregate classification (germline): Uncertain significance (1 of 4 stars; one submission).

Submission:

Labcorp Genetics (formerly Invitae), Labcorp
Classification: Uncertain significance. Last evaluated: 2022-05-25. Review status: criteria provided, single submitter. Criteria: Invitae Variant Classification Sherloc (09022015). Collection method: clinical testing. Allele origin: germline.
Comment: In summary, the available evidence is currently insufficient to determine the role of this variant in disease. Therefore, it has been classified as a Variant of Uncertain Significance. Algorithms developed to predict the effect of missense changes on protein structure and function are either unavailable or do not agree on the potential impact of this missense change (SIFT: "Not Available"; PolyPhen-2: "Probably Damaging"; Align-GVGD: "Not Available"). This variant has not been reported in the literature in individuals affected with UNC80-related conditions. This variant is present in population databases (rs200884661, gnomAD 0.003%). This sequence change replaces asparagine, which is neutral and polar, with lysine, which is basic and polar, at codon 407 of the UNC80 protein (p.Asn407Lys).